The following is an entry in ClinVar:

ClinVar aggregate classification (germline): Uncertain significance (1 of 4 stars; one submission).

Conditions:
Psoriasis 2. Identifiers: MedGen C1864497, MONDO:0011269, OMIM 602723.
Pityriasis rubra pilaris (PRP). Also called: Pityriasis rubra pilaris--familial type. Identifiers: Orphanet 2897, MedGen C0032027, MONDO:0100017, OMIM 173200, MONDO:0008251.

Submission:

Labcorp Genetics (formerly Invitae), Labcorp
Classification: Uncertain significance for Pityriasis rubra pilaris; Psoriasis 2. Last evaluated: 2022-12-15. Review status: criteria provided, single submitter. Criteria: Invitae Variant Classification Sherloc (09022015). Collection method: clinical testing. Allele origin: germline.
Comment: This sequence change replaces alanine, which is neutral and non-polar, with serine, which is neutral and polar, at codon 216 of the CARD14 protein (p.Ala216Ser). In summary, the available evidence is currently insufficient to determine the role of this variant in disease. Therefore, it has been classified as a Variant of Uncertain Significance. Advanced modeling of protein sequence and biophysical properties (such as structural, functional, and spatial information, amino acid conservation, physicochemical variation, residue mobility, and thermodynamic stability) performed at Invitae indicates that this missense variant is not expected to disrupt CARD14 protein function. This variant has not been reported in the literature in individuals affected with CARD14-related conditions. This variant is not present in population databases (gnomAD no frequency).

NM_001366385.1(CARD14):c.646G>T (p.Ala216Ser)

Gene: CARD14 (caspase recruitment domain family member 14; plus strand). Cytogenetic location: 17q25.3.
Variant type: single nucleotide variant.
Coding change: c.646G>T on transcript NM_001366385.1 (MANE Select); coding-DNA position 646, G replaced by T.
Protein change: p.Ala216Ser; replaces alanine 216 with serine.
Molecular consequence: missense variant. On other transcripts: non-coding transcript variant (1).
Genome position (GRCh38, 1-based): chr17:80,184,209, G>T. VCF-style: chr17-80184209-G-T. GRCh37 (hg19) VCF-style: chr17-78158008-G-T.
Other names: c.646G>T, p.Ala216Ser (NM_001257970.1, NM_024110.4); short protein forms A216S.
Identifiers: ClinVar variation 2942337 (VCV002942337.3), dbSNP rs574982768, ClinGen allele CA401338046.